The following is an entry in ClinVar:

ClinVar aggregate classification (germline): Conflicting classifications of pathogenicity. Review status: criteria provided, conflicting classifications (1 of 4 stars). 2 submissions from 2 submitters: Uncertain significance (1); Likely benign (1). Last evaluated 2023-03-23.

Conditions:
Hereditary cancer-predisposing syndrome. Also called: Hereditary Cancer Syndrome; Neoplastic Syndromes, Hereditary; Tumor predisposition; Hereditary neoplastic syndrome. Identifiers: Orphanet 140162, MedGen C0027672, MeSH D009386, MONDO:0015356.

Submissions (2):

University of Washington Department of Laboratory Medicine, University of Washington
Classification: Likely benign for Hereditary cancer-predisposing syndrome. Last evaluated: 2023-03-23. Review status: criteria provided, single submitter. Criteria: Dines et al. (Genet Med. 2020). Collection method: curation. Allele origin: germline.
Comment: Missense variant in a coldspot region where missense variants are very unlikely to be pathogenic (PMID:31911673).

BRCA2 exon 11 coldspot. Reclassification based on statistical prior probability.

Ambry Genetics
Classification: Uncertain significance for Hereditary cancer-predisposing syndrome. Last evaluated: 2022-06-15. Review status: criteria provided, single submitter. Criteria: Ambry Variant Classification Scheme 2023. Collection method: clinical testing. Allele origin: germline.
Comment: The p.N1603S variant (also known as c.4808A>G), located in coding exon 10 of the BRCA2 gene, results from an A to G substitution at nucleotide position 4808. The asparagine at codon 1603 is replaced by serine, an amino acid with highly similar properties. This amino acid position is poorly conserved in available vertebrate species. In addition, this alteration is predicted to be tolerated by in silico analysis. Since supporting evidence is limited at this time, the clinical significance of this alteration remains unclear.

NM_000059.4(BRCA2):c.4808A>G (p.Asn1603Ser)

Gene: BRCA2 (BRCA2 DNA repair associated; plus strand). Cytogenetic location: 13q13.1.
Variant type: single nucleotide variant.
Coding change: c.4808A>G on transcript NM_000059.4 (MANE Select); coding-DNA position 4808, A replaced by G.
Protein change: p.Asn1603Ser; replaces asparagine 1603 with serine.
Molecular consequence: missense variant.
Genome position (GRCh38, 1-based): chr13:32,339,163, A>G. VCF-style: chr13-32339163-A-G. GRCh37 (hg19) VCF-style: chr13-32913300-A-G.
Other names: c.4808A>G, p.Asn1603Ser (NM_001406719.1, NM_001406720.1); short protein forms N1603S.
Identifiers: ClinVar variation 1743235 (VCV001743235.4), dbSNP rs890665355, ClinGen allele CA387783275.